The following is an entry in ClinVar:

ClinVar aggregate classification (germline): Pathogenic (1 of 4 stars; one submission).

Conditions:
Neuromuscular disease caused by qualitative or quantitative defects of dysferlin. Also called: Qualitative or quantitative defects of dysferlin; Dysferlinopathy. Identifiers: Orphanet 207073, MedGen C2931687, MONDO:0016145.

Submission:

Labcorp Genetics (formerly Invitae), Labcorp
Classification: Pathogenic for Neuromuscular disease caused by qualitative or quantitative defects of dysferlin. Last evaluated: 2020-08-04. Review status: criteria provided, single submitter. Criteria: Invitae Variant Classification Sherloc (09022015). Collection method: clinical testing. Allele origin: germline.
Comment: For these reasons, this variant has been classified as Pathogenic. Loss-of-function variants in DYSF are known to be pathogenic (PMID: 17698709, 20301480). This sequence change creates a premature translational stop signal (p.Pro392Argfs*7) in the DYSF gene. It is expected to result in an absent or disrupted protein product. This variant is not present in population databases (ExAC no frequency). This variant has not been reported in the literature in individuals with DYSF-related conditions.

Literature cited by the submitters: PubMed 17698709; PubMed 20301480.

NM_001130987.2(DYSF):c.1271del (p.Pro424fs)

Gene: DYSF (dysferlin; plus strand). Cytogenetic location: 2p13.2.
Variant type: Deletion.
Coding change: c.1271del on transcript NM_001130987.2 (MANE Select); coding-DNA position 1271, one base deleted (C; older notation c.1271delC).
Protein change: p.Pro424fs; shifts the reading frame from proline 424.
Molecular consequence: frameshift variant.
Genome position (GRCh38, 1-based): chr2:71,526,341, C deleted; the last of 2 consecutive C bases (chr2:71,526,340-71,526,341); deleting either gives the same sequence. VCF-style (leftmost placement, unchanged base first): chr2-71526339-GC-G. GRCh37 (hg19) VCF-style: chr2-71753469-GC-G.
Other names: c.1178del, p.Pro393fs (NM_001130455.2, NM_001130983.2, NM_001130984.2 and 1 more transcripts); c.1175del, p.Pro392fs (NM_001130976.2, NM_001130977.2, NM_001130978.2 and 1 more transcripts); c.1268del, p.Pro423fs (NM_001130979.2, NM_001130980.2, NM_001130981.2); c.1271del, p.Pro424fs (NM_001130982.2, NM_001130985.2); short protein forms P392fs, P393fs, P423fs, P424fs.
Identifiers: ClinVar variation 1069450 (VCV001069450.7), dbSNP rs2152748702, ClinGen allele CA2499216201.